The following is an entry in ClinVar:

ClinVar aggregate classification (germline): Benign (1 of 4 stars; one submission).

Conditions:
Schnyder crystalline corneal dystrophy (SCCD). Also called: Crystalline corneal dystrophy; Schnyder corneal dystrophy. Identifiers: Orphanet 98967, MedGen C0271287, MONDO:0007374, OMIM 121800.

Allele frequency attached by ClinVar (database versions not stated): gnomAD exomes 0.00012; 1000 Genomes Project 0.00319; 1000 Genomes Project 30x 0.00312; gnomAD 0.00446 and 0.00417; TOPMed 0.00453.
gnomAD v4.1: 629 of 160,598 alleles (0.39%); highest among the groups gnomAD compares: African/African-American, 1.4%; 6 homozygotes.

Submission:

Illumina Laboratory Services, Illumina
Classification: Benign for Schnyder crystalline corneal dystrophy. Last evaluated: 2018-01-13. Review status: criteria provided, single submitter. Criteria: ICSL Variant Classification Criteria 13 December 2019. Collection method: clinical testing. Allele origin: germline.
Comment: This variant was observed in the ICSL laboratory as part of a predisposition screen in an ostensibly healthy population. It had not been previously curated by ICSL or reported in the Human Gene Mutation Database (HGMD: prior to June 1st, 2018), and was therefore a candidate for classification through an automated scoring system. Utilizing variant allele frequency, disease prevalence and penetrance estimates, and inheritance mode, an automated score was calculated to assess if this variant is too frequent to cause the disease. Based on the score and internal cut-off values, a variant classified as benign is not then subjected to further curation. The score for this variant resulted in a classification of benign for this disease.

NM_013319.3(UBIAD1):c.*552G>A

Gene: UBIAD1 (UbiA prenyltransferase domain containing 1; plus strand). Cytogenetic location: 1p36.22.
Variant type: single nucleotide variant.
Coding change: c.*552G>A on transcript NM_013319.3 (MANE Select); 552 bases downstream of the stop codon, G replaced by A.
Molecular consequence: 3 prime UTR variant. On other transcripts: intron variant (2).
Genome position (GRCh38, 1-based): chr1:11,286,683, G>A. VCF-style: chr1-11286683-G-A. GRCh37 (hg19) VCF-style: chr1-11346740-G-A.
Other names: c.618+951G>A (NM_001330349.2); c.530-8190G>A (NM_001330350.2).
Identifiers: ClinVar variation 291879 (VCV000291879.5), dbSNP rs111991610, ClinGen allele CA10607328.